The following is an entry in ClinVar:

NM_130839.5(UBE3A):c.2086A>G (p.Asn696Asp)

Genes: SNHG14 (small nucleolar RNA host gene 14; plus strand), UBE3A (ubiquitin protein ligase E3A; minus strand). Cytogenetic location: 15q11.2.
Variant type: single nucleotide variant.
Coding change: c.2086A>G on transcript NM_130839.5 (MANE Select); coding-DNA position 2086, A replaced by G.
Protein change: p.Asn696Asp; replaces asparagine 696 with aspartic acid.
Molecular consequence: missense variant. On other transcripts: non-coding transcript variant (1), intron variant (1).
Genome position (GRCh38, 1-based): chr15:25,355,930, T>C on the plus strand (A>G on the coding strand, the complement: UBE3A is on the minus strand). VCF-style: chr15-25355930-T-C. GRCh37 (hg19) VCF-style: chr15-25601077-T-C.
Other names: c.2095A>G, p.Asn699Asp (NM_000462.5); c.2086A>G, p.Asn696Asp (NM_001354505.1, NM_001354538.2, NM_001354545.2); c.2026A>G, p.Asn676Asp (NM_001354506.2, NM_001354507.2, NM_001354508.2 and 16 more transcripts); c.1909A>G, p.Asn637Asp (NM_001354546.2); c.835A>G, p.Asn279Asp (NM_001354550.2); c.775A>G, p.Asn259Asp (NM_001354551.2); c.1899+761A>G (NM_001354549.2); short protein forms N676D, N279D, N696D, N259D, N637D, N699D.
Identifiers: ClinVar variation 160216 (VCV000160216.12), dbSNP rs587784523, ClinGen allele CA173805.
Genomic context (GRCh38, chr15:25,355,930, plus strand): 5'-GTGACATAAAAACATTTATTACCTTCCTGTTTTCATTTGTAATTGGAATTTTATCACCAT[T>C]TTCCTTTAGATCATACATCATTGGGTTACCAAAAAGATCTGTCTGTGATATCTGGAAAGT-3'
Protein context (NP_570854.1, residues 686-706): GNPMMYDLKE[Asn696Asp]GDKIPITNEN

ClinVar aggregate classification (germline): Conflicting classifications of pathogenicity. Review status: criteria provided, conflicting classifications (1 of 4 stars). 2 submissions from 2 submitters: Uncertain significance (1); Likely benign (1). Last evaluated 2021-04-10.

Conditions:
Angelman syndrome (AS). Also called: HAPPY PUPPET SYNDROME. Identifiers: Orphanet 72, MedGen C0162635, MONDO:0007113, OMIM 105830. Disease mechanism: loss of function. Inheritance: AS is caused by disruption of maternally imprinted UBE3A located within the 15q11.2-q13 Angelman syndrome/Prader-Willi syndrome (AS/PWS) region., imprinting disorder.

Allele frequency attached by ClinVar (database versions not stated): gnomAD exomes below 0.00001.
gnomAD v4.1: 4 of 1,613,692 alleles (0.00025%); highest among the groups gnomAD compares: Non-Finnish European, 0.00025%; no homozygotes.

Submissions (2):

Labcorp Genetics (formerly Invitae), Labcorp
Classification: Uncertain significance for Angelman syndrome. Last evaluated: 2021-04-10. Review status: criteria provided, single submitter. Criteria: Invitae Variant Classification Sherloc (09022015). Collection method: clinical testing. Allele origin: germline.
Comment: In summary, the available evidence is currently insufficient to determine the role of this variant in disease. Therefore, it has been classified as a Variant of Uncertain Significance. Algorithms developed to predict the effect of missense changes on protein structure and function output the following: SIFT: "Not Available"; PolyPhen-2: "Benign"; Align-GVGD: "Not Available". The aspartic acid amino acid residue is found in multiple mammalian species, suggesting that this missense change does not adversely affect protein function. These predictions have not been confirmed by published functional studies and their clinical significance is uncertain. This variant has not been reported in the literature in individuals with UBE3A-related conditions. ClinVar contains an entry for this variant (Variation ID: 160216). This variant is not present in population databases (ExAC no frequency). This sequence change replaces asparagine with aspartic acid at codon 676 of the UBE3A protein (p.Asn676Asp). The asparagine residue is highly conserved and there is a small physicochemical difference between asparagine and aspartic acid.

Genetic Services Laboratory, University of Chicago
Classification: Likely benign. Last evaluated: 2013-02-08. Review status: criteria provided, single submitter. Criteria: ACMG Guidelines, 2007. Collection method: clinical testing. Allele origin: germline. Inheritance: Autosomal dominant inheritance.